The following is an entry in ClinVar:

ClinVar aggregate classification (germline): Pathogenic/Likely pathogenic. Review status: criteria provided, multiple submitters, no conflicts (2 of 4 stars). 2 submissions from 2 submitters: Pathogenic (1); Likely pathogenic (1). Last evaluated 2023-08-14.

Conditions:
Autosomal recessive nonsyndromic hearing loss 3. Also called: NEUROSENSORY NONSYNDROMIC RECESSIVE DEAFNESS 3. Identifiers: Orphanet 90636, MedGen C1838263, MONDO:0010860, OMIM 600316.

Allele frequency attached by ClinVar (database versions not stated): gnomAD exomes below 0.00001.
gnomAD v4.1: 2 of 1,613,548 alleles (0.00012%); highest among the groups gnomAD compares: Non-Finnish European, 0.00017%; no homozygotes.

Submissions (2):

Labcorp Genetics (formerly Invitae), Labcorp
Classification: Pathogenic. Last evaluated: 2023-08-14. Review status: criteria provided, single submitter. Criteria: Invitae Variant Classification Sherloc (09022015). Collection method: clinical testing. Allele origin: germline.
Comment: This sequence change affects an acceptor splice site in intron 42 of the MYO15A gene. It is expected to disrupt RNA splicing. Variants that disrupt the donor or acceptor splice site typically lead to a loss of protein function (PMID: 16199547), and loss-of-function variants in MYO15A are known to be pathogenic (PMID: 17546645). This variant is not present in population databases (gnomAD no frequency). Disruption of this splice site has been observed in individual(s) with deafness (Invitae). In at least one individual the data is consistent with being in trans (on the opposite chromosome) from a pathogenic variant. Algorithms developed to predict the effect of sequence changes on RNA splicing suggest that this variant may disrupt the consensus splice site. For these reasons, this variant has been classified as Pathogenic.

Juno Genomics, Hangzhou Juno Genomics, Inc
Classification: Likely pathogenic for Autosomal recessive nonsyndromic hearing loss 3. Review status: criteria provided, single submitter. Criteria: ACMG Guidelines, 2015. Collection method: clinical testing. Allele origin: germline.
Comment: Null variant in a gene where loss of function (LOF) is a known mechanism of disease.;Absent from controls (or at extremely low frequency if recessive) in Genome Aggregation Database.

Literature cited by the submitters: PubMed 16199547 (cited by Labcorp Genetics (formerly Invitae), Labcorp); PubMed 17546645 (cited by Labcorp Genetics (formerly Invitae), Labcorp).

NM_016239.4(MYO15A):c.7967-1G>C

Gene: MYO15A (myosin XVA; plus strand). Cytogenetic location: 17p11.2.
Variant type: single nucleotide variant.
Coding change: c.7967-1G>C on transcript NM_016239.4 (MANE Select); the canonical splice acceptor site of the intron before coding-DNA position 7967, G replaced by C.
Molecular consequence: splice acceptor variant.
Genome position (GRCh38, 1-based): chr17:18,153,774, G>C. VCF-style: chr17-18153774-G-C. GRCh37 (hg19) VCF-style: chr17-18057088-G-C.
Identifiers: ClinVar variation 2752329 (VCV002752329.5), dbSNP rs2545292896, ClinGen allele CA398622536.